The following is an entry in ClinVar:

ClinVar aggregate classification (germline): Benign/Likely benign. Review status: criteria provided, multiple submitters, no conflicts (2 of 4 stars). 5 submissions from 5 submitters: Benign (1); Likely benign (3). 1 of the submissions does not count toward it. Last evaluated 2026-01-21.

Conditions:
Glycogen storage disease, type V (GSD5). Also called: PYGM DEFICIENCY; McArdle type glycogen storage disease; MCARDLE DISEASE; MUSCLE GLYCOGEN PHOSPHORYLASE DEFICIENCY; MYOPHOSPHORYLASE DEFICIENCY. Identifiers: Orphanet 368, MedGen C0017924, MONDO:0009293, OMIM 232600.
PYGM-related disorder. Also called: PYGM-related condition.

Allele frequency attached by ClinVar (database versions not stated): ExAC 0.00006; gnomAD exomes 0.00013 and 0.00051; 1000 Genomes Project 0.00040; 1000 Genomes Project 30x 0.00047; gnomAD 0.00116 and 0.00120; TOPMed 0.00117.

Submissions (5):

Labcorp Genetics (formerly Invitae), Labcorp
Classification: Benign for Glycogen storage disease, type V. Last evaluated: 2026-01-21. Review status: criteria provided, single submitter. Criteria: Invitae Variant Classification Sherloc (09022015). Collection method: clinical testing. Allele origin: germline.

Blueprint Genetics
Classification: Likely benign. Last evaluated: 2024-10-31. Review status: criteria provided, single submitter. Criteria: ACMG Guidelines, 2015. Collection method: clinical testing. Allele origin: germline.

GeneDx
Classification: Likely benign. Last evaluated: 2020-05-12. Review status: criteria provided, single submitter. Criteria: GeneDx Variant Classification Process June 2021. Collection method: clinical testing. Allele origin: germline. Affected: yes.

Breakthrough Genomics
Classification: Likely benign. Review status: criteria provided, single submitter. Criteria: ACMG Guidelines, 2015. Collection method: not provided. Allele origin: germline. Inheritance: Autosomal recessive inheritance. Affected: yes.

PreventionGenetics, part of Exact Sciences
Classification: Likely benign for PYGM-related condition. Last evaluated: 2024-03-23. Review status: no assertion criteria provided. Collection method: clinical testing. Allele origin: germline. Not counted in ClinVar's aggregate classification.
Comment: This variant is classified as likely benign based on ACMG/AMP sequence variant interpretation guidelines (Richards et al. 2015 PMID: 25741868, with internal and published modifications).

NM_005609.4(PYGM):c.2109G>A (p.Glu703=)

Gene: PYGM (glycogen phosphorylase, muscle associated; minus strand). Cytogenetic location: 11q13.1.
Variant type: single nucleotide variant.
Coding change: c.2109G>A on transcript NM_005609.4 (MANE Select); coding-DNA position 2109, G replaced by A.
Protein change: p.Glu703=; no amino-acid change (glutamic acid 703 retained).
Molecular consequence: synonymous variant.
Genome position (GRCh38, 1-based): chr11:64,750,444, C>T on the plus strand (G>A on the coding strand, the complement: PYGM is on the minus strand). VCF-style: chr11-64750444-C-T. GRCh37 (hg19) VCF-style: chr11-64517916-C-T.
Other names: c.1845G>A, p.Glu615= (NM_001164716.1).
Identifiers: ClinVar variation 513919 (VCV000513919.17), dbSNP rs200537357, ClinGen allele CA6079637.